The following is an entry in ClinVar:

NM_199355.4(ADAMTS18):c.950A>G (p.Tyr317Cys)

Gene: ADAMTS18 (ADAM metallopeptidase with thrombospondin type 1 motif 18; minus strand). Cytogenetic location: 16q23.1.
Variant type: single nucleotide variant.
Coding change: c.950A>G on transcript NM_199355.4 (MANE Select); coding-DNA position 950, A replaced by G.
Protein change: p.Tyr317Cys; replaces tyrosine 317 with cysteine.
Molecular consequence: missense variant.
Genome position (GRCh38, 1-based): chr16:77,364,210, T>C on the plus strand (A>G on the coding strand, the complement: ADAMTS18 is on the minus strand). VCF-style: chr16-77364210-T-C. GRCh37 (hg19) VCF-style: chr16-77398107-T-C.
Other names: c.434A>G, p.Tyr145Cys (NM_001326358.2); short protein forms Y145C, Y317C.
Identifiers: ClinVar variation 3000557 (VCV003000557.3), dbSNP rs2543747331, ClinGen allele CA396836515.

ClinVar aggregate classification (germline): Uncertain significance (1 of 4 stars; one submission).

gnomAD v4.1: 1 of 1,614,132 alleles (0.000062%); no homozygotes.

Submission:

Labcorp Genetics (formerly Invitae), Labcorp
Classification: Uncertain significance. Last evaluated: 2023-09-19. Review status: criteria provided, single submitter. Criteria: Invitae Variant Classification Sherloc (09022015). Collection method: clinical testing. Allele origin: germline.
Comment: This sequence change replaces tyrosine, which is neutral and polar, with cysteine, which is neutral and slightly polar, at codon 317 of the ADAMTS18 protein (p.Tyr317Cys). This variant is not present in population databases (gnomAD no frequency). This variant has not been reported in the literature in individuals affected with ADAMTS18-related conditions. An algorithm developed to predict the effect of missense changes on protein structure and function (PolyPhen-2) suggests that this variant is likely to be disruptive. In summary, the available evidence is currently insufficient to determine the role of this variant in disease. Therefore, it has been classified as a Variant of Uncertain Significance.